The following is an entry in ClinVar:

NM_031885.5(BBS2):c.400C>T (p.Pro134Ser)

Gene: BBS2 (Bardet-Biedl syndrome 2; minus strand). Cytogenetic location: 16q13.
Variant type: single nucleotide variant.
Coding change: c.400C>T on transcript NM_031885.5 (MANE Select); coding-DNA position 400, C replaced by T.
Protein change: p.Pro134Ser; replaces proline 134 with serine.
Molecular consequence: missense variant. On other transcripts: non-coding transcript variant (5).
Genome position (GRCh38, 1-based): chr16:56,511,230, G>A on the plus strand (C>T on the coding strand, the complement: BBS2 is on the minus strand). VCF-style: chr16-56511230-G-A. GRCh37 (hg19) VCF-style: chr16-56545142-G-A.
Other names: c.400C>T, p.Pro134Ser (NM_001377456.1); short protein forms P134S.
Identifiers: ClinVar variation 1430955 (VCV001430955.5), dbSNP rs1275057392, ClinGen allele CA395984445.

ClinVar aggregate classification (germline): Uncertain significance (1 of 4 stars; one submission).

Conditions:
Bardet-Biedl syndrome (BBS). Identifiers: Orphanet 110, MedGen C0752166, MONDO:0015229.

Allele frequency attached by ClinVar (database versions not stated): gnomAD exomes below 0.00001 and 0.00001; TOPMed below 0.00001.

Submission:

Labcorp Genetics (formerly Invitae), Labcorp
Classification: Uncertain significance for Bardet-Biedl syndrome. Last evaluated: 2021-10-14. Review status: criteria provided, single submitter. Criteria: Invitae Variant Classification Sherloc (09022015). Collection method: clinical testing. Allele origin: germline.
Comment: This sequence change replaces proline with serine at codon 134 of the BBS2 protein (p.Pro134Ser). The proline residue is highly conserved and there is a moderate physicochemical difference between proline and serine. This variant is not present in population databases (ExAC no frequency). This variant has not been reported in the literature in individuals affected with BBS2-related conditions. Algorithms developed to predict the effect of missense changes on protein structure and function are either unavailable or do not agree on the potential impact of this missense change (SIFT: "Tolerated"; PolyPhen-2: "Probably Damaging"; Align-GVGD: "Class C25"). This variant disrupts the p.Pro134 amino acid residue in BBS2. Other variant(s) that disrupt this residue have been determined to be pathogenic (PMID: 25541840). This suggests that this residue is clinically significant, and that variants that disrupt this residue are likely to be disease-causing. In summary, the available evidence is currently insufficient to determine the role of this variant in disease. Therefore, it has been classified as a Variant of Uncertain Significance.

Literature cited by the submitters: PubMed 25541840.